The following is an entry in ClinVar:

ClinVar aggregate classification (germline): Uncertain significance (1 of 4 stars; one submission).

Allele frequency attached by ClinVar (database versions not stated): gnomAD exomes below 0.00001 and 0.00001; ExAC 0.00001; gnomAD 0.00003; TOPMed 0.00005.
gnomAD v4.1: 11 of 1,614,074 alleles (0.00068%); highest among the groups gnomAD compares: African/African-American, 0.011%; no homozygotes.

Submission:

Labcorp Genetics (formerly Invitae), Labcorp
Classification: Uncertain significance. Last evaluated: 2025-12-28. Review status: criteria provided, single submitter. Criteria: Invitae Variant Classification Sherloc (09022015). Collection method: clinical testing. Allele origin: germline.
Comment: This sequence change replaces leucine, which is neutral and non-polar, with serine, which is neutral and polar, at codon 1235 of the RP1 protein (p.Leu1235Ser). This variant is present in population databases (rs770380600, gnomAD 0.006%). This variant has not been reported in the literature in individuals affected with RP1-related conditions. ClinVar contains an entry for this variant (Variation ID: 1379998). An algorithm developed to predict the effect of missense changes on protein structure and function outputs the following: PolyPhen-2: "Benign". The serine amino acid residue is found in multiple mammalian species, which suggests that this missense change does not adversely affect protein function. In summary, the available evidence is currently insufficient to determine the role of this variant in disease. Therefore, it has been classified as a Variant of Uncertain Significance.

NM_006269.2(RP1):c.3704T>C (p.Leu1235Ser)

Gene: RP1 (RP1 axonemal microtubule associated; plus strand). Cytogenetic location: 8q12.1.
Variant type: single nucleotide variant.
Coding change: c.3704T>C on transcript NM_006269.2 (MANE Select); coding-DNA position 3704, T replaced by C.
Protein change: p.Leu1235Ser; replaces leucine 1235 with serine.
Molecular consequence: missense variant. On other transcripts: intron variant (1).
Genome position (GRCh38, 1-based): chr8:54,627,586, T>C. VCF-style: chr8-54627586-T-C. GRCh37 (hg19) VCF-style: chr8-55540146-T-C.
Other names: c.787+5298T>C (NM_001375654.1); short protein forms L1235S.
Identifiers: ClinVar variation 1379998 (VCV001379998.6), dbSNP rs770380600, ClinGen allele CA4751735.
Genomic context (GRCh38, chr8:54,627,586, plus strand): 5'-TCAACATTCAGAGTGTTCCTAAGTGCAGTGAAAATGAAAGAACACAAGGAATCTCCTCTT[T>C]GGATGGAGGTTGCTCTGCCAGTGAGGCATGTGCCCCTGAAGTCTGTGTTTTGGAAGTGAC-3'
Protein context (NP_006260.1, residues 1225-1245): ENERTQGISS[Leu1235Ser]DGGCSASEAC